The following is an entry in ClinVar:

ClinVar aggregate classification (germline): Uncertain significance (1 of 4 stars; one submission).

Submission:

Women's Health and Genetics/Laboratory Corporation of America, LabCorp
Classification: Uncertain significance. Last evaluated: 2026-06-02. Review status: criteria provided, single submitter. Criteria: LabCorp Variant Classification Summary - May 2015. Collection method: clinical testing. Allele origin: germline.
Comment: Variant summary: BTK c.1403G>T (p.Arg468Leu) results in a non-conservative amino acid change in the encoded protein sequence. Algorithms developed to predict the effect of missense changes on protein structure and function all suggest that this variant is likely to be disruptive. The variant was absent in 183194 control chromosomes. The available data on variant occurrences in the general population are insufficient to allow any conclusion about variant significance. To our knowledge, no occurrence of c.1403G>T in individuals affected with BTK-related conditions and no experimental evidence demonstrating its impact on protein function have been reported. No submitters have cited clinical-significance assessments for this variant to ClinVar. Based on the evidence outlined above, the variant was classified as uncertain significance.

NM_000061.3(BTK):c.1403G>T (p.Arg468Leu)

Gene: BTK (Bruton tyrosine kinase; minus strand). Cytogenetic location: Xq22.1.
Variant type: single nucleotide variant.
Coding change: c.1403G>T on transcript NM_000061.3 (MANE Select); coding-DNA position 1403, G replaced by T.
Protein change: p.Arg468Leu; replaces arginine 468 with leucine.
Molecular consequence: missense variant. On other transcripts: intron variant (1).
Genome position (GRCh38, 1-based): chrX:101,356,215, C>A on the plus strand (G>T on the coding strand, the complement: BTK is on the minus strand). VCF-style: chrX-101356215-C-A. GRCh37 (hg19) VCF-style: chrX-100611203-C-A.
Other names: c.1505G>T, p.Arg502Leu (NM_001287344.2); c.1039-1521G>T (NM_001287345.2); short protein forms R468L, R502L.
Identifiers: ClinVar variation 4887584 (VCV004887584.1).